The following is an entry in ClinVar:

NM_005689.4(ABCB6):c.949G>T (p.Gly317Trp)

Gene: ABCB6 (ATP binding cassette subfamily B member 6 (LAN blood group); minus strand). Cytogenetic location: 2q35.
Variant type: single nucleotide variant.
Coding change: c.949G>T on transcript NM_005689.4 (MANE Select); coding-DNA position 949, G replaced by T.
Protein change: p.Gly317Trp; replaces glycine 317 with tryptophan.
Molecular consequence: missense variant.
Genome position (GRCh38, 1-based): chr2:219,216,385, C>A on the plus strand (G>T on the coding strand, the complement: ABCB6 is on the minus strand). VCF-style: chr2-219216385-C-A. GRCh37 (hg19) VCF-style: chr2-220081107-C-A.
Other names: c.811G>T, p.Gly271Trp (NM_001349828.2); short protein forms G271W, G317W.
Identifiers: ClinVar variation 2547576 (VCV002547576.5), dbSNP rs932780824, ClinGen allele CA65951609.

ClinVar aggregate classification (germline): Uncertain significance. Review status: criteria provided, multiple submitters, no conflicts (2 of 4 stars). 2 submissions from 2 submitters: Uncertain significance (2). Last evaluated 2026-03-12.

Conditions:
Microphthalmia, isolated, with coloboma 7 (MCOPCB7). Also called: ocular coloboma; MICROPHTHALMIA/COLOBOMA 7. Identifiers: Orphanet 98938, MedGen C3281027, MONDO:0013783, OMIM 614497.
Inborn genetic diseases. Identifiers: MedGen C0950123, MeSH D030342.

Submissions (2):

Ambry Genetics
Classification: Uncertain significance for Inborn genetic diseases. Last evaluated: 2026-03-12. Review status: criteria provided, single submitter. Criteria: Ambry Variant Classification Scheme 2023. Collection method: clinical testing. Allele origin: germline.

Dasa
Classification: Uncertain significance for Microphthalmia, isolated, with coloboma 7. Last evaluated: 2024-10-30. Review status: criteria provided, single submitter. Criteria: DASA Assertion Criteria. Collection method: clinical testing. Allele origin: germline.
Comment: NM_005689.4(ABCB6):c.949G>T (p.Gly317Trp) is a missense variant that results in the substitution of glycine with tryptophan. This variant is rare in population databases. Computational prediction algorithms are consistent with a deleterious effect. The currently available literature and clinical evidence are not sufficient to establish a definitive association between this variant and the reported condition. Therefore, this variant is classified as a variant of uncertain significance.